The following is an entry in ClinVar:

ClinVar aggregate classification (germline): Uncertain significance (1 of 4 stars; one submission).

Conditions:
Inborn genetic diseases. Identifiers: MedGen C0950123, MeSH D030342.

gnomAD v4.1: 1 of 1,613,636 alleles (0.000062%); highest among the groups gnomAD compares: Non-Finnish European, 0.000085%; no homozygotes.

Submission:

Ambry Genetics
Classification: Uncertain significance for Inborn genetic diseases. Last evaluated: 2024-12-12. Review status: criteria provided, single submitter. Criteria: Ambry Variant Classification Scheme 2023. Collection method: clinical testing. Allele origin: germline.
Comment: The p.R1467S variant (also known as c.4401G>T), located in coding exon 30 of the ANKRD26 gene, results from a G to T substitution at nucleotide position 4401. The arginine at codon 1467 is replaced by serine, an amino acid with dissimilar properties. This amino acid position is conserved. In addition, this alteration is predicted to be tolerated by in silico analysis. Based on the available evidence, the clinical significance of this variant remains unclear.

NM_014915.3(ANKRD26):c.4401G>T (p.Arg1467Ser)

Gene: ANKRD26 (ankyrin repeat domain containing 26; minus strand). Cytogenetic location: 10p12.1.
Variant type: single nucleotide variant.
Coding change: c.4401G>T on transcript NM_014915.3 (MANE Select); coding-DNA position 4401, G replaced by T.
Protein change: p.Arg1467Ser; replaces arginine 1467 with serine.
Molecular consequence: missense variant.
Genome position (GRCh38, 1-based): chr10:27,017,607, C>A on the plus strand (G>T on the coding strand, the complement: ANKRD26 is on the minus strand). VCF-style: chr10-27017607-C-A. GRCh37 (hg19) VCF-style: chr10-27306536-C-A.
Other names: c.4398G>T, p.Arg1466Ser (NM_001256053.2); short protein forms R1466S, R1467S.
Identifiers: ClinVar variation 3869227 (VCV003869227.1).
Genomic context (GRCh38, chr10:27,017,607, plus strand): 5'-TCTTGCTCTTTCTTCAATCTCCTGTTTATACTGTTTGACTTGACCAAGTTCTACCATATT[C>A]CTTTCTATATGACTTCTCAGGTTGATCACTTCTTGTTCCAACTTCTTTTTATTCTTCTGT-3'
Protein context (NP_055730.2, residues 1457-1477): EVINLRSHIE[Arg1467Ser]NMVELGQVKQ